The following is an entry in ClinVar:

NM_000256.3(MYBPC3):c.112G>A (p.Val38Met)

Gene: MYBPC3 (myosin binding protein C3; minus strand). Cytogenetic location: 11p11.2.
Variant type: single nucleotide variant.
Coding change: c.112G>A on transcript NM_000256.3 (MANE Select); coding-DNA position 112, G replaced by A.
Protein change: p.Val38Met; replaces valine 38 with methionine.
Molecular consequence: missense variant.
Genome position (GRCh38, 1-based): chr11:47,351,419, C>T on the plus strand (G>A on the coding strand, the complement: MYBPC3 is on the minus strand). VCF-style: chr11-47351419-C-T. GRCh37 (hg19) VCF-style: chr11-47372970-C-T.
Other names: short protein forms V38M.
Identifiers: ClinVar variation 1020277 (VCV001020277.18), dbSNP rs1299024877, ClinGen allele CA380341906.

ClinVar aggregate classification (germline): Uncertain significance. Review status: criteria provided, multiple submitters, no conflicts (2 of 4 stars). 7 submissions from 7 submitters: Uncertain significance (7). Last evaluated 2026-09-11.

Conditions:
MYBPC3-related disorder. Also called: MYBPC3-related condition; MYBPC3-related disease; MYBPC3-related disorders.
Cardiovascular phenotype. Identifiers: MedGen CN230736.
Cardiomyopathy (CMYO). Also called: Cardiomyopathies. Identifiers: Orphanet 167848, MedGen C0878544, MONDO:0004994, HP:0001638. Inheritance: Various modes of inheritance.
Hypertrophic cardiomyopathy. Also called: HYPERTROPHIC MYOCARDIOPATHY. Identifiers: Orphanet 217569, MedGen C0007194, MeSH D002312, MONDO:0005045, HP:0001639.

Allele frequency attached by ClinVar (database versions not stated): gnomAD exomes below 0.00001; gnomAD 0.00001; TOPMed 0.00001.

Submissions (7):

Ambry Genetics
Classification: Uncertain significance for Cardiovascular phenotype. Last evaluated: 2026-09-11. Review status: criteria provided, single submitter. Criteria: Ambry Variant Classification Scheme 2023. Collection method: clinical testing. Allele origin: germline.
Comment: The p.V38M variant (also known as c.112G>A), located in coding exon 2 of the MYBPC3 gene, results from a G to A substitution at nucleotide position 112. The valine at codon 38 is replaced by methionine, an amino acid with highly similar properties. This amino acid position is conserved. In addition, this alteration is predicted to be tolerated by in silico analysis. Based on the available evidence, the clinical significance of this variant remains unclear.

PreventionGenetics, part of Exact Sciences
Classification: Uncertain significance for MYBPC3-related condition. Last evaluated: 2026-08-07. Review status: criteria provided, single submitter. Criteria: ACMG Guidelines, 2015. Collection method: clinical testing. Allele origin: germline.
Comment: The MYBPC3 c.112G>A variant is predicted to result in the amino acid substitution p.Val38Met. To our knowledge, this variant has not been reported in the literature. This variant is reported in 0.0029% of alleles in individuals of Latino descent in gnomAD. At this time, the clinical significance of this variant is uncertain due to the absence of conclusive functional and genetic evidence.

Color Diagnostics, LLC DBA Color Health
Classification: Uncertain significance for Cardiomyopathy. Last evaluated: 2025-11-10. Review status: criteria provided, single submitter. Criteria: ACMG Guidelines, 2015. Collection method: clinical testing. Allele origin: germline.
Comment: This missense variant replaces valine with methionine at codon 38 of the MYBPC3 protein. Computational prediction suggests that this variant may not impact protein structure and function. To our knowledge, functional studies have not been reported for this variant. This variant has not been reported in individuals affected with MYBPC3-related disorders in the literature. This variant has been identified in 1/272656 chromosomes in the general population by the Genome Aggregation Database (gnomAD). The available evidence is insufficient to determine the role of this variant in disease conclusively. Therefore, this variant is classified as a Variant of Uncertain Significance.

Labcorp Genetics (formerly Invitae), Labcorp
Classification: Uncertain significance for Hypertrophic cardiomyopathy. Last evaluated: 2025-06-18. Review status: criteria provided, single submitter. Criteria: Invitae Variant Classification Sherloc (09022015). Collection method: clinical testing. Allele origin: germline.
Comment: This sequence change replaces valine, which is neutral and non-polar, with methionine, which is neutral and non-polar, at codon 38 of the MYBPC3 protein (p.Val38Met). This variant is present in population databases (no rsID available, gnomAD 0.003%). This variant has not been reported in the literature in individuals affected with MYBPC3-related conditions. ClinVar contains an entry for this variant (Variation ID: 1020277). An algorithm developed to predict the effect of missense changes on protein structure and function (PolyPhen-2) suggests that this variant is likely to be tolerated. In summary, the available evidence is currently insufficient to determine the role of this variant in disease. Therefore, it has been classified as a Variant of Uncertain Significance.

All of Us Research Program, National Institutes of Health
Classification: Uncertain significance for Hypertrophic cardiomyopathy. Last evaluated: 2023-10-02. Review status: criteria provided, single submitter. Criteria: ACMG Guidelines, 2015. Collection method: clinical testing. Allele origin: germline. Inheritance: Autosomal dominant inheritance. Observed: 2 variant alleles, 2 heterozygotes.
Comment: This missense variant replaces valine with methionine at codon 38 of the MYBPC3 protein. Computational prediction suggests that this variant may not impact protein structure and function (internally defined REVEL score threshold <= 0.5, PMID: 27666373). To our knowledge, functional studies have not been reported for this variant. This variant has not been reported in individuals affected with cardiovascular disorders in the literature. This variant has been identified in 1/272656 chromosomes in the general population by the Genome Aggregation Database (gnomAD). The available evidence is insufficient to determine the role of this variant in disease conclusively. Therefore, this variant is classified as a Variant of Uncertain Significance.

This study involves interpretation of variants in research participants for the purpose of population health screening. Participant phenotype was not available at the time of variant classification. Additional details can be found in publication PMID: 35346344, PMCID: PMC8962531

Women's Health and Genetics/Laboratory Corporation of America, LabCorp
Classification: Uncertain significance. Last evaluated: 2022-05-24. Review status: criteria provided, single submitter. Criteria: LabCorp Variant Classification Summary - May 2015. Collection method: clinical testing. Allele origin: germline.
Comment: Variant summary: MYBPC3 c.112G>A (p.Val38Met) results in a conservative amino acid change located in the Immunoglobulin subtype domain (IPR003599) of the encoded protein sequence. Four of five in-silico tools predict a benign effect of the variant on protein function. The variant was absent in 241258 control chromosomes. The available data on variant occurrences in the general population are insufficient to allow any conclusion about variant significance. To our knowledge, no occurrence of c.112G>A in individuals affected with Cardiomyopathy and no experimental evidence demonstrating its impact on protein function have been reported. Three clinical diagnostic laboratories have submitted clinical-significance assessments for this variant to ClinVar after 2014 without evidence for independent evaluation. All laboratories classified the variant as uncertain significance. Based on the evidence outlined above, the variant was classified as uncertain significance.

GeneDx
Classification: Uncertain significance. Last evaluated: 2020-10-07. Review status: criteria provided, single submitter. Criteria: GeneDx Variant Classification Process June 2021. Collection method: clinical testing. Allele origin: germline. Affected: yes.
Comment: Has not been previously published as pathogenic or benign to our knowledge; Not observed at a significant frequency in large population cohorts (Lek et al., 2016); In silico analysis supports that this missense variant does not alter protein structure/function